The following is an entry in ClinVar:

ClinVar aggregate classification (germline): Uncertain significance (1 of 4 stars; one submission).

gnomAD v4.1: 1 of 1,612,874 alleles (0.000062%); highest among the groups gnomAD compares: Non-Finnish European, 0.000085%; no homozygotes.

Submission:

GeneDx
Classification: Uncertain significance. Last evaluated: 2025-04-18. Review status: criteria provided, single submitter. Criteria: GeneDx Variant Classification Process June 2021. Collection method: clinical testing. Allele origin: germline. Affected: yes.
Comment: Not observed at significant frequency in large population cohorts (gnomAD); In silico analysis supports that this missense variant has a deleterious effect on protein structure/function; Has not been previously published as pathogenic or benign to our knowledge

NM_016356.5(DCDC2):c.1039G>C (p.Val347Leu)

Gene: DCDC2 (doublecortin domain containing 2; minus strand). Cytogenetic location: 6p22.3.
Variant type: single nucleotide variant.
Coding change: c.1039G>C on transcript NM_016356.5 (MANE Select); coding-DNA position 1039, G replaced by C.
Protein change: p.Val347Leu; replaces valine 347 with leucine.
Molecular consequence: missense variant.
Genome position (GRCh38, 1-based): chr6:24,178,617, C>G on the plus strand (G>C on the coding strand, the complement: DCDC2 is on the minus strand). VCF-style: chr6-24178617-C-G. GRCh37 (hg19) VCF-style: chr6-24178845-C-G.
Other names: c.1039G>C, p.Val347Leu (NM_001195610.2); short protein forms V347L.
Identifiers: ClinVar variation 4282060 (VCV004282060.1).
Genomic context (GRCh38, chr6:24,178,617, plus strand): 5'-AAAAGTCTTCTTTCTGTTCTGCATCCTTGTTTGCCTTCTCTCCATCTTCTTCCTCGTCTA[C>G]TATTTCTGCTGGCCTCTGATGGATCAAAAGGAATAATGGATAAAAGTAAGAAGCATAACA-3'
Protein context (NP_057440.2, residues 337-357): VPVDQRPAEI[Val347Leu]DEEEDGEKAN